The following is an entry in ClinVar:

NM_000379.4(XDH):c.1597G>A (p.Glu533Lys)

Gene: XDH (xanthine dehydrogenase; minus strand). Cytogenetic location: 2p23.1.
Variant type: single nucleotide variant.
Coding change: c.1597G>A on transcript NM_000379.4 (MANE Select); coding-DNA position 1597, G replaced by A.
Protein change: p.Glu533Lys; replaces glutamic acid 533 with lysine.
Molecular consequence: missense variant.
Genome position (GRCh38, 1-based): chr2:31,375,385, C>T on the plus strand (G>A on the coding strand, the complement: XDH is on the minus strand). VCF-style: chr2-31375385-C-T. GRCh37 (hg19) VCF-style: chr2-31598251-C-T.
Other names: short protein forms E533K.
Identifiers: ClinVar variation 74588 (VCV000074588.15), dbSNP rs147476468, ClinGen allele CA1599187.
Genomic context (GRCh38, chr2:31,375,385, plus strand): 5'-TCTTATATCCCCAAACATGCTACAGAGAGCCTGTGCCTGGCCAGGCCCCACTCACGTCTT[C>T]CAGGTTCTCTTGGCCCAGCTTCTGAAGGACTGTCAGGTAGAACTTGAAGAAGAAGCTGAG-3'
Protein context (NP_000370.2, residues 523-543): VLQKLGQENL[Glu533Lys]DKCGKLDPTF

ClinVar aggregate classification (germline): Conflicting classifications of pathogenicity. Review status: criteria provided, conflicting classifications (1 of 4 stars). 6 submissions from 6 submitters: Uncertain significance (5); Likely benign (1). Last evaluated 2026-02-01.

Conditions:
Xanthinuria type II. Also called: Xanthine dehydrogenase and aldehyde oxidase combined deficiency of; XDH and AOX dual deficiency. Identifiers: Orphanet 3467, Orphanet 93602, MedGen C1863688, MONDO:0011346, OMIM 603592.
Inborn genetic diseases. Identifiers: MedGen C0950123, MeSH D030342.
Hereditary xanthinuria type 1 (XAN1). Identifiers: Orphanet 3467, Orphanet 93601, MedGen C0268118, MONDO:0010209, OMIM 278300.

Allele frequency attached by ClinVar (database versions not stated): gnomAD 0.00014 and 0.00015; TOPMed 0.00014; ExAC 0.00015; gnomAD exomes 0.00015 and 0.00044; ESP Exome Variant Server 0.00062.
gnomAD v4.1: 692 of 1,614,186 alleles (0.043%); highest among the groups gnomAD compares: Non-Finnish European, 0.054%; 2 homozygotes.

Submissions (6):

CeGaT Center for Human Genetics Tuebingen
Classification: Likely benign. Last evaluated: 2026-02-01. Review status: criteria provided, single submitter. Criteria: CeGaT Center For Human Genetics Tuebingen Variant Classification Criteria Version 2. Collection method: clinical testing. Allele origin: germline. Affected: yes. Observed: 1 variant allele.
Comment: XDH: BP4

Ambry Genetics
Classification: Uncertain significance for Inborn genetic diseases. Last evaluated: 2024-03-04. Review status: criteria provided, single submitter. Criteria: Ambry Variant Classification Scheme 2023. Collection method: clinical testing. Allele origin: germline.

GeneDx
Classification: Uncertain significance. Last evaluated: 2023-12-26. Review status: criteria provided, single submitter. Criteria: GeneDx Variant Classification Process June 2021. Collection method: clinical testing. Allele origin: germline. Affected: yes.
Comment: In silico analysis supports that this missense variant does not alter protein structure/function; Has not been previously published as pathogenic or benign to our knowledge

Fulgent Genetics
Classification: Uncertain significance for Hereditary xanthinuria type 1. Last evaluated: 2021-10-29. Review status: criteria provided, single submitter. Criteria: ACMG Guidelines, 2015. Collection method: clinical testing. Allele origin: unknown.

Labcorp Genetics (formerly Invitae), Labcorp
Classification: Uncertain significance for Xanthinuria type II. Last evaluated: 2021-08-28. Review status: criteria provided, single submitter. Criteria: Invitae Variant Classification Sherloc (09022015). Collection method: clinical testing. Allele origin: germline.
Comment: This sequence change replaces glutamic acid with lysine at codon 533 of the XDH protein (p.Glu533Lys). The glutamic acid residue is weakly conserved and there is a small physicochemical difference between glutamic acid and lysine. This variant is present in population databases (rs147476468, ExAC 0.03%). This variant has not been reported in the literature in individuals affected with XDH-related conditions. ClinVar contains an entry for this variant (Variation ID: 74588). Algorithms developed to predict the effect of missense changes on protein structure and function output the following: SIFT: "Tolerated"; PolyPhen-2: "Benign"; Align-GVGD: "Class C0". The lysine amino acid residue is found in multiple mammalian species, which suggests that this missense change does not adversely affect protein function. In summary, the available evidence is currently insufficient to determine the role of this variant in disease. Therefore, it has been classified as a Variant of Uncertain Significance.

Illumina Laboratory Services, Illumina
Classification: Uncertain significance for Hereditary xanthinuria type 1. Last evaluated: 2018-01-12. Review status: criteria provided, single submitter. Criteria: ICSL Variant Classification Criteria 13 December 2019. Collection method: clinical testing. Allele origin: germline.